The following is an entry in ClinVar:

NM_007294.4(BRCA1):c.1791A>C (p.Glu597Asp)

Gene: BRCA1 (BRCA1 DNA repair associated; minus strand). Cytogenetic location: 17q21.31.
Variant type: single nucleotide variant.
Coding change: c.1791A>C on transcript NM_007294.4 (MANE Select); coding-DNA position 1791, A replaced by C.
Protein change: p.Glu597Asp; replaces glutamic acid 597 with aspartic acid.
Molecular consequence: missense variant. On other transcripts: intron variant (137).
Genome position (GRCh38, 1-based): chr17:43,093,740, T>G on the plus strand (A>C on the coding strand, the complement: BRCA1 is on the minus strand). VCF-style: chr17-43093740-T-G. GRCh37 (hg19) VCF-style: chr17-41245757-T-G.
Other names: c.1578A>C, p.Glu526Asp (NM_001407571.1, NM_001407853.1, NM_001407894.1 and 9 more transcripts); c.1791A>C, p.Glu597Asp (NM_001407581.1, NM_001407582.1, NM_001407583.1 and 30 more transcripts); c.1788A>C, p.Glu596Asp (NM_001407587.1, NM_001407590.1, NM_001407591.1 and 22 more transcripts); c.1782A>C, p.Glu594Asp (NM_001407646.1, NM_001407647.1); c.1668A>C, p.Glu556Asp (NM_001407648.1, NM_001407664.1, NM_001407665.1 and 19 more transcripts); c.1665A>C, p.Glu555Asp (NM_001407649.1, NM_001407670.1, NM_001407671.1 and 11 more transcripts); c.1713A>C, p.Glu571Asp (NM_001407653.1, NM_001407654.1, NM_001407655.1 and 4 more transcripts); c.1710A>C, p.Glu570Asp (NM_001407659.1, NM_001407660.1, NM_001407661.1 and 1 more transcripts); and 40 more; short protein forms E597D, E550D, E429D, E469D, E526D, E555D, E596D, E486D.
Identifiers: ClinVar variation 1411198 (VCV001411198.9), dbSNP rs749415463, ClinGen allele CA10598439.

ClinVar aggregate classification (germline): Conflicting classifications of pathogenicity. Review status: criteria provided, conflicting classifications (1 of 4 stars). 2 submissions from 2 submitters: Uncertain significance (1); Likely benign (1). Last evaluated 2023-03-23.

Conditions:
Hereditary cancer-predisposing syndrome. Also called: Hereditary Cancer Syndrome; Tumor predisposition; Hereditary neoplastic syndrome; Neoplastic Syndromes, Hereditary. Identifiers: Orphanet 140162, MedGen C0027672, MeSH D009386, MONDO:0015356.
Hereditary breast ovarian cancer syndrome. Also called: Hereditary breast and ovarian cancer syndrome (HBOC); Breast and ovarian cancer; Hereditary breast and ovarian cancer syndrome; Hereditary breast and/or ovarian cancer syndrome; Hereditary breast and ovarian cancer; BRCA1- and BRCA2-Associated Hereditary Breast and Ovarian Cancer. Identifiers: Orphanet 145, MedGen C0677776, MeSH D061325, MONDO:0003582. Disease mechanism: loss of function.

Submissions (2):

University of Washington Department of Laboratory Medicine, University of Washington
Classification: Likely benign for Hereditary cancer-predisposing syndrome. Last evaluated: 2023-03-23. Review status: criteria provided, single submitter. Criteria: Dines et al. (Genet Med. 2020). Collection method: curation. Allele origin: germline.
Comment: Missense variant in a coldspot region where missense variants are very unlikely to be pathogenic (PMID:31911673).

BRCA1 coldspot (exon 11 using historical exon numbering). Reclassification based on statistical prior probability

Labcorp Genetics (formerly Invitae), Labcorp
Classification: Uncertain significance for Hereditary breast ovarian cancer syndrome. Last evaluated: 2022-07-14. Review status: criteria provided, single submitter. Criteria: Invitae Variant Classification Sherloc (09022015). Collection method: clinical testing. Allele origin: germline.
Comment: Advanced modeling of protein sequence and biophysical properties (such as structural, functional, and spatial information, amino acid conservation, physicochemical variation, residue mobility, and thermodynamic stability) performed at Invitae indicates that this missense variant is not expected to disrupt BRCA1 protein function. ClinVar contains an entry for this variant (Variation ID: 1411198). This variant has not been reported in the literature in individuals affected with BRCA1-related conditions. This variant is not present in population databases (gnomAD no frequency). This sequence change replaces glutamic acid, which is acidic and polar, with aspartic acid, which is acidic and polar, at codon 597 of the BRCA1 protein (p.Glu597Asp). In summary, the available evidence is currently insufficient to determine the role of this variant in disease. Therefore, it has been classified as a Variant of Uncertain Significance.